The following is an entry in ClinVar:

ClinVar aggregate classification (germline): Uncertain significance (1 of 4 stars; one submission).

Allele frequency attached by ClinVar (database versions not stated): gnomAD exomes below 0.00001; ExAC 0.00001.
gnomAD v4.1: 2 of 1,613,890 alleles (0.00012%); highest among the groups gnomAD compares: Middle Eastern, 0.017%; no homozygotes.

Submission:

GeneDx
Classification: Uncertain significance. Last evaluated: 2022-02-09. Review status: criteria provided, single submitter. Criteria: GeneDx Variant Classification Process June 2021. Collection method: clinical testing. Allele origin: germline. Affected: yes.
Comment: Not observed at significant frequency in large population cohorts (gnomAD); In silico analysis supports that this missense variant has a deleterious effect on protein structure/function; Has not been previously published as pathogenic or benign to our knowledge

NM_018319.4(TDP1):c.1469C>G (p.Ala490Gly)

Gene: TDP1 (tyrosyl-DNA phosphodiesterase 1; plus strand). Cytogenetic location: 14q32.11.
Variant type: single nucleotide variant.
Coding change: c.1469C>G on transcript NM_018319.4 (MANE Select); coding-DNA position 1469, C replaced by G.
Protein change: p.Ala490Gly; replaces alanine 490 with glycine.
Molecular consequence: missense variant.
Genome position (GRCh38, 1-based): chr14:89,993,411, C>G. VCF-style: chr14-89993411-C-G. GRCh37 (hg19) VCF-style: chr14-90459755-C-G.
Other names: c.1469C>G, p.Ala490Gly (NM_001008744.2, NM_001330205.2); short protein forms A490G.
Identifiers: ClinVar variation 1700802 (VCV001700802.2), dbSNP rs758257019, ClinGen allele CA7303975.
Genomic context (GRCh38, chr14:89,993,411, plus strand): 5'-TAACTTTTGTCTTTTCTGTCACTAGCAAATGGTCAGCTGAGACTTCTGGCCGCAGCAATG[C>G]CATGCCACATATTAAGACATATATGAGGCCTTCTCCAGACTTCAGTAAAATTGCTTGGTT-3'
Protein context (NP_060789.2, residues 480-500): WSAETSGRSN[Ala490Gly]MPHIKTYMRP